The following is an entry in ClinVar:

NM_002435.3(MPI):c.989_1005dup (p.Ser336fs)

Gene: MPI (mannose phosphate isomerase; plus strand). Cytogenetic location: 15q24.1.
Variant type: Duplication.
Coding change: c.989_1005dup on transcript NM_002435.3 (MANE Select); coding-DNA positions 989 to 1005, 17 bases duplicated (AGGAAGACCCCTACCTC).
Protein change: p.Ser336fs; shifts the reading frame from serine 336.
Molecular consequence: frameshift variant. On other transcripts: intron variant (1).
Genome position (GRCh38, 1-based): chr15:74,897,155-74,897,171, AGGAAGACCCCTACCTC duplicated; duplicating any 17 consecutive bases within chr15:74,897,153-74,897,171 gives the same sequence; the c. name uses the placement nearest the transcript's 3' end. VCF-style (leftmost placement, unchanged base first): chr15-74897152-G-GTCAGGAAGACCCCTACC. GRCh37 (hg19) VCF-style: chr15-75189493-G-GTCAGGAAGACCCCTACC.
Other names: c.839_855dup, p.Ser286fs (NM_001289156.2); c.806_822dup, p.Ser275fs (NM_001289157.2); c.929_945dup, p.Ser316fs (NM_001330372.2); c.845-357_845-341dup (NM_001289155.2); short protein forms S275fs, S286fs, S316fs, S336fs.
Identifiers: ClinVar variation 2174331 (VCV002174331.4), dbSNP rs2505829304, ClinGen allele CA2580089982.
Genomic context (GRCh38, chr15:74,897,152, plus strand): 5'-GTGAAATGCTCAGCTATACCCCTAGCTCCAGCAAGGACAGGCTCTTTCTCCCAACACGGA[G>GTCAGGAAGACCCCTACC]TCAGGAAGACCCCTACCTCTCAATCTATGACCCCCCTGTACCAGACTTCACCATTATGAA-3'

ClinVar aggregate classification (germline): Pathogenic (1 of 4 stars; one submission).

Conditions:
MPI-congenital disorder of glycosylation. Also called: CONGENITAL DISORDER OF GLYCOSYLATION, TYPE Ib; MPI-CDG; MPI DEFICIENCY; MANNOSEPHOSPHATE ISOMERASE DEFICIENCY; PROTEIN-LOSING ENTEROPATHY-HEPATIC FIBROSIS SYNDROME; CDG Ib. Identifiers: Orphanet 79319, MedGen C1865145, MONDO:0011257, OMIM 602579.

Submission:

Labcorp Genetics (formerly Invitae), Labcorp
Classification: Pathogenic for MPI-congenital disorder of glycosylation. Last evaluated: 2022-10-28. Review status: criteria provided, single submitter. Criteria: Invitae Variant Classification Sherloc (09022015). Collection method: clinical testing. Allele origin: germline.
Comment: For these reasons, this variant has been classified as Pathogenic. This variant disrupts a region of the MPI protein in which other variant(s) (p.Ile398Thr) have been determined to be pathogenic (PMID: 10484808, 30545931). This suggests that this is a clinically significant region of the protein, and that variants that disrupt it are likely to be disease-causing. This variant has not been reported in the literature in individuals affected with MPI-related conditions. This variant is not present in population databases (gnomAD no frequency). This sequence change creates a premature translational stop signal (p.Ser336Argfs*19) in the MPI gene. While this is not anticipated to result in nonsense mediated decay, it is expected to disrupt the last 88 amino acid(s) of the MPI protein.

Literature cited by the submitters: PubMed 10484808; PubMed 30545931.